The following is an entry in ClinVar:

ClinVar aggregate classification (germline): Likely pathogenic (1 of 4 stars; one submission).

Conditions:
Dilated cardiomyopathy 1G (CMD1G). Identifiers: Orphanet 154, MedGen C1858763, MONDO:0011400, OMIM 604145.
Autosomal recessive limb-girdle muscular dystrophy type 2J (LGMDR10). Also called: Limb-girdle muscular dystrophy, type 2J; MUSCULAR DYSTROPHY, LIMB-GIRDLE, AUTOSOMAL RECESSIVE 10. Identifiers: Orphanet 140922, MedGen C1837342, MONDO:0012127, OMIM 608807.

Submission:

Labcorp Genetics (formerly Invitae), Labcorp
Classification: Likely pathogenic for Dilated cardiomyopathy 1G; Autosomal recessive limb-girdle muscular dystrophy type 2J. Last evaluated: 2025-02-05. Review status: criteria provided, single submitter. Criteria: Invitae Variant Classification Sherloc (09022015). Collection method: clinical testing. Allele origin: germline.
Comment: This sequence change creates a premature translational stop signal (p.Glu13940Lysfs*19) in the TTN gene. While this is not anticipated to result in nonsense mediated decay, it is expected to create a truncated TTN protein. This variant is not present in population databases (gnomAD no frequency). This variant has not been reported in the literature in individuals affected with TTN-related conditions. ClinVar contains an entry for this variant (Variation ID: 1524460). This variant is located in the I band of TTN (PMID: 25589632). Truncating variants in this region have been reported in individuals affected with autosomal recessive centronuclear myopathy (PMID: 23975875, internal data). Truncating variants in this region have also been identified in individuals affected with autosomal dominant dilated cardiomyopathy and/or cardio-related conditions (PMID: 27869827, 32964742, internal data). In summary, the currently available evidence indicates that the variant is pathogenic, but additional data are needed to prove that conclusively. Therefore, this variant has been classified as Likely Pathogenic.

Literature cited by the submitters: PubMed 25589632; PubMed 23975875; PubMed 27869827; PubMed 32964742.

NM_001267550.2(TTN):c.41817del (p.Glu13940fs)

Gene: TTN (titin; minus strand). Cytogenetic location: 2q31.2.
Variant type: Deletion.
Coding change: c.41817del on transcript NM_001267550.2 (MANE Select); coding-DNA position 41817, one base deleted (A; older notation c.41817delA).
Protein change: p.Glu13940fs; shifts the reading frame from glutamic acid 13940.
Molecular consequence: frameshift variant.
Genome position (GRCh38, 1-based): chr2:178,635,507, T deleted on the plus strand (A on the coding strand, the reverse complement: TTN is on the minus strand). VCF-style (leftmost placement, unchanged base first): chr2-178635506-CT-C. GRCh37 (hg19) VCF-style: chr2-179500233-CT-C.
Other names: c.36894del, p.Glu12299fs (NM_001256850.1); c.14622del, p.Glu4875fs (NM_003319.4); c.34113del, p.Glu11372fs (NM_133378.4); c.14997del, p.Glu5000fs (NM_133432.3); c.15198del, p.Glu5067fs (NM_133437.4); short protein forms E13940fs, E5000fs, E5067fs, E11372fs, E4875fs, E12299fs.
Identifiers: ClinVar variation 1524460 (VCV001524460.8), dbSNP rs2154229464, ClinGen allele CA2573133783.
Genomic context (GRCh38, chr2:178,635,506, plus strand): 5'-GTGTCAGCTTTGCAGGGTATCTTTTTCCTTCAATTTCCACTGCATACTCAGCAATATCTT[CT>C]GGCATAGCATTCTTAATTTTGAGGTACAGATGATTTCCATCTCTCAGTATTTCAGTCTTA-3'